The following is an entry in ClinVar:

NM_001042492.3(NF1):c.1436A>G (p.Glu479Gly)

Gene: NF1 (neurofibromin 1; plus strand). Cytogenetic location: 17q11.2.
Variant type: single nucleotide variant.
Coding change: c.1436A>G on transcript NM_001042492.3 (MANE Select); coding-DNA position 1436, A replaced by G.
Protein change: p.Glu479Gly; replaces glutamic acid 479 with glycine.
Molecular consequence: missense variant.
Genome position (GRCh38, 1-based): chr17:31,214,494, A>G. VCF-style: chr17-31214494-A-G. GRCh37 (hg19) VCF-style: chr17-29541512-A-G.
Other names: c.1436A>G, p.Glu479Gly (NM_000267.4, NM_001128147.3); short protein forms E479G.
Identifiers: ClinVar variation 4860920 (VCV004860920.1).
Genomic context (GRCh38, chr17:31,214,494, plus strand): 5'-TTTTGTTTTGTTTTTAGAGTCTTACATTTAAAGAAAAAGTAACAAGCCTTAAATTTAAAG[A>G]AAAACCTACAGACCTGGAGACAAGAAGCTATAAGTATCTTCTCTTGTCCATGGTGAAACT-3'
Protein context (NP_001035957.1, residues 469-489): KEKVTSLKFK[Glu479Gly]KPTDLETRSY

ClinVar aggregate classification (germline): Uncertain significance (1 of 4 stars; one submission).

Conditions:
Cardiovascular phenotype. Identifiers: MedGen CN230736.
Hereditary cancer-predisposing syndrome. Also called: Neoplastic Syndromes, Hereditary; Tumor predisposition; Hereditary Cancer Syndrome; Hereditary neoplastic syndrome. Identifiers: Orphanet 140162, MedGen C0027672, MeSH D009386, MONDO:0015356.

Submission:

Ambry Genetics
Classification: Uncertain significance for Cardiovascular phenotype; Hereditary cancer-predisposing syndrome. Last evaluated: 2026-04-24. Review status: criteria provided, single submitter. Criteria: Ambry Variant Classification Scheme 2023. Collection method: clinical testing. Allele origin: germline.
Comment: The p.E479G variant (also known as c.1436A>G), located in coding exon 13 of the NF1 gene, results from an A to G substitution at nucleotide position 1436. The glutamic acid at codon 479 is replaced by glycine, an amino acid with similar properties. This amino acid position is highly conserved in available vertebrate species. In addition, the in silico prediction for this alteration is inconclusive. Based on the available evidence, the clinical significance of this variant remains unclear.